The following is an entry in ClinVar:

ClinVar aggregate classification (germline): Benign (1 of 4 stars; one submission).

Allele frequency attached by ClinVar (database versions not stated): 1000 Genomes Project 0.35743; 1000 Genomes Project 30x 0.36134; TOPMed 0.47718; gnomAD 0.48855 and 0.49237; gnomAD exomes 0.57511.

Submission:

GeneDx
Classification: Benign. Last evaluated: 2018-06-19. Review status: criteria provided, single submitter. Criteria: GeneDx Variant Classification (06012015). Collection method: clinical testing. Allele origin: germline. Affected: yes.
Comment: This variant is considered likely benign or benign based on one or more of the following criteria: it is a conservative change, it occurs at a poorly conserved position in the protein, it is predicted to be benign by multiple in silico algorithms, and/or has population frequency not consistent with disease.

NM_014845.6(FIG4):c.1949-308G>A

Gene: FIG4 (FIG4 phosphoinositide 5-phosphatase; plus strand). Cytogenetic location: 6q21.
Variant type: single nucleotide variant.
Coding change: c.1949-308G>A on transcript NM_014845.6 (MANE Select); 308 bases into the intron before coding-DNA position 1949, G replaced by A.
Molecular consequence: intron variant.
Genome position (GRCh38, 1-based): chr6:109,785,994, G>A. VCF-style: chr6-109785994-G-A. GRCh37 (hg19) VCF-style: chr6-110107197-G-A.
Identifiers: ClinVar variation 670527 (VCV000670527.1), dbSNP rs9386844, ClinGen allele CA15452378.